The following is an entry in ClinVar:

ClinVar aggregate classification (germline): Pathogenic. Review status: criteria provided, multiple submitters, no conflicts (2 of 4 stars). 8 submissions from 8 submitters: Pathogenic (8). Last evaluated 2026-06-30.

Conditions:
Osteogenesis imperfecta type I (OI1). Also called: OI, TYPE I; OSTEOGENESIS IMPERFECTA TARDA; OSTEOGENESIS IMPERFECTA WITH BLUE SCLERAE; Osteogenesis imperfecta type 1; Classic Non-deforming Osteogenesis Imperfecta with Blue Sclerae; Lobstein's Disease. Identifiers: Orphanet 216796, Orphanet 666, MedGen C0023931, MONDO:0008146, OMIM 166200. Disease mechanism: loss of function.
COL1A1-related disorder. Also called: COL1A1-related condition; COL1A1- related disease.
Osteogenesis imperfecta, perinatal lethal (OI2). Also called: OI, TYPE II; OSTEOGENESIS IMPERFECTA CONGENITA; VROLIK TYPE OF OSTEOGENESIS IMPERFECTA; OSTEOGENESIS IMPERFECTA, TYPE II; Osteogenesis imperfecta, dominant perinatal lethal; Osteogenesis imperfecta type 2. Identifiers: Orphanet 216804, MedGen C0268358, MONDO:0008147, OMIM 166210.
Osteogenesis imperfecta type III (OI3). Also called: Progressively Deforming Osteogenesis Imperfecta; Osteogenesis imperfecta type 3; OI type 3; Osteogenesis imperfecta, progressively deforming with normal sclerae; OI type III. Identifiers: Orphanet 216812, Orphanet 666, MedGen C0268362, MONDO:0009804, OMIM 259420.
Ehlers-Danlos syndrome, arthrochalasia type. Also called: Ehlers-Danlos syndrome, arthrochalasia type, 1; ARTHROCHALASIS MULTIPLEX CONGENITA; EDS VII, MUTANT PROCOLLAGEN TYPE; EDS VIIA; Ehlers-Danlos syndrome, arthrochalasis type. Identifiers: Orphanet 1899, Orphanet 99875, Orphanet 99876, MedGen C4551623, MONDO:0007525, OMIM 130060.
Infantile cortical hyperostosis. Also called: Hyperostosis, Cortical, Congenital; P1PK BLOOD GROUP SYSTEM, P(2) PHENOTYPE; Caffey Disease. Identifiers: Orphanet 1310, MedGen C0020497, MONDO:0007244, OMIM 114000.
Osteogenesis imperfecta with normal sclerae, dominant form (OI4). Also called: OSTEOGENESIS IMPERFECTA WITH NORMAL SCLERAE; Osteogenesis imperfecta type 4; OSTEOGENESIS IMPERFECTA, TYPE IV, WITH DENTINOGENESIS IMPERFECTA; Common Variable Osteogenesis Imperfecta with Normal Sclerae; Osteogenesis Imperfecta Type IV. Identifiers: Orphanet 216820, Orphanet 666, MedGen C0268363, MONDO:0008148, OMIM 166220.
Postmenopausal osteoporosis. Also called: OSTEOPOROSIS, INVOLUTIONAL; BONE MINERAL DENSITY QUANTITATIVE TRAIT LOCUS. Identifiers: MedGen C0029458, MONDO:0008159.

Submissions (8):

PreventionGenetics, part of Exact Sciences
Classification: Pathogenic for COL1A1-related condition. Last evaluated: 2026-06-30. Review status: criteria provided, single submitter. Criteria: ACMG Guidelines, 2015. Collection method: clinical testing. Allele origin: germline.
Comment: The COL1A1 c.2362G>A variant is predicted to result in the amino acid substitution p.Gly788Ser. The p.Gly788 amino acid is located in the conserved Gly-Xaa-Yaa triple helical domain where substitutions of a glycine are usually pathogenic (residues 179-1192; legacy nomenclature in Marini et al. 2007. PubMed ID: 17078022 indicates amino acids 1-1012; Symoens et al. 2014. PubMed ID: 25146735).  In addition, this variant has been reported in individuals with osteogenesis imperfecta, including at least a de novo occurrence (see for examples: Table S1, Bardai et al. 2016. PubMed ID: 27509835; Chandler et al. 2018. PubMed ID: 29595812; Zhytnik et al. 2020. PubMed ID: 32166892; Zhang et al. 2021. PubMed ID: 33942288). This variant has not been reported in a large population database (gnomAD), indicating this variant is rare. This variant is interpreted as pathogenic.

Dasa
Classification: Pathogenic. Last evaluated: 2026-01-10. Review status: criteria provided, single submitter. Criteria: DASA Assertion Criteria. Collection method: clinical testing. Allele origin: germline.
Comment: NM_000088.4(COL1A1):c.2362G>A (p.Gly788Ser) is a missense variant that results in the substitution of glycine with serine. The affected residue or protein region has prior evidence supporting clinical relevance. De novo occurrence has been reported in an individual with related phenotype. Functional evidence supports a deleterious effect on the gene or gene product (PMID: 29595812; PMID: 31447884; PMID: 32166892; PMID: 32123938; PMID: 15241796). This variant has been recurrently observed in individuals with related phenotype (PMID: 29595812; PMID: 31447884; PMID: 32166892; PMID: 32123938; PMID: 15241796). Multiple computational predictions support a deleterious effect on the gene or gene product. The variant is present at low frequency in population datasets. Based on the available data, this variant is classified as pathogenic.

Labcorp Genetics (formerly Invitae), Labcorp
Classification: Pathogenic for Osteogenesis imperfecta type I. Last evaluated: 2025-07-24. Review status: criteria provided, single submitter. Criteria: Invitae Variant Classification Sherloc (09022015). Collection method: clinical testing. Allele origin: germline.
Comment: This sequence change replaces glycine, which is neutral and non-polar, with serine, which is neutral and polar, at codon 788 of the COL1A1 protein (p.Gly788Ser). This variant is not present in population databases (gnomAD no frequency). This missense change has been observed in individuals with osteogenesis imperfecta (PMID: 17078022, 27509835). ClinVar contains an entry for this variant (Variation ID: 447141). Invitae Evidence Modeling of protein sequence and biophysical properties (such as structural, functional, and spatial information, amino acid conservation, physicochemical variation, residue mobility, and thermodynamic stability) indicates that this missense variant is expected to disrupt COL1A1 protein function with a positive predictive value of 95%. This variant disrupts the triple helix domain of COL1A1. Glycine residues within the Gly-Xaa-Yaa repeats of the triple helix domain are required for the structure and stability of fibrillar collagens (PMID: 7695699, 8218237, 19344236). In COL1A1, variants affecting these glycine residues are significantly enriched in individuals with disease (PMID: 9016532, 17078022) compared to the general population (ExAC). For these reasons, this variant has been classified as Pathogenic.

Clinical Biomedical Laboratory, Shriners Hospital For Children - Canada
Classification: Pathogenic for Osteogenesis imperfecta type I. Last evaluated: 2025-05-23. Review status: criteria provided, single submitter. Criteria: ACMG Guidelines, 2015. Collection method: clinical testing. Allele origin: germline. Affected: yes.
Comment: This variant is predicted to substitute a glycine residue by a serine residue in the triple helical domain of the collagen type I alpha 1 chain. Glycine substitutions in the triple helical domain of collagen type I cause disruption in the formation of the triple helix in the collagen molecule and are a typical cause of osteogenesis imperfecta. This variant is absent from the Genome Aggregation Database (v2.1.1). The variant is predicted to be deleterious to protein function (Revel 0.98). This variant is reported in the literature (PMID 27509835) as a cause of osteogenesis imperfecta.

3billion
Classification: Pathogenic for COL1A1-related disorder. Last evaluated: 2024-07-30. Review status: criteria provided, single submitter. Criteria: ACMG Guidelines, 2015. Collection method: clinical testing. Allele origin: germline. Affected: yes.
Comment: The variant is not observed in the gnomAD v4.0.0 dataset. Predicted Consequence/Location: The variant is located in a mutational hot spot and/or well-established functional domain in which established pathogenic variants have been reported (PMID: 17078022, 27519266). In silico tool predictions suggest damaging effect of the variant on gene or gene product [REVEL: 0.98 (>=0.6, sensitivity 0.68 and specificity 0.92); 3Cnet: 0.99 (>=0.6, sensitivity 0.72 and precision 0.9)]. The same nucleotide change resulting in the same amino acid change has been previously reported as pathogenic/likely pathogenic with strong evidence (ClinVar ID: VCV000447141 /PMID: 17078022 /3billion dataset). A different missense change at the same codon (p.Gly788Cys) has been reported to be associated with COL1A1 related disorder (PMID: 15241796). Therefore, this variant is classified as Pathogenic according to the recommendation of ACMG/AMP guideline.

GeneDx
Classification: Pathogenic. Last evaluated: 2021-12-08. Review status: criteria provided, single submitter. Criteria: GeneDx Variant Classification Process June 2021. Collection method: clinical testing. Allele origin: germline. Affected: yes.
Comment: Occurs in the triple helical domain and replaces the glycine in the canonical Gly-X-Y repeat; missense substitution of a canonical glycine residue is expected to disrupt normal protein folding and function, and this is an established mechanism of disease (Stenson et al., 2014); Not observed in large population cohorts (Lek et al., 2016); In silico analysis supports that this missense variant has a deleterious effect on protein structure/function; Reported in ClinVar as pathogenic (ClinVar Variant ID# 447141; Landrum et al., 2016); This variant is associated with the following publications: (PMID: 18412368, 27509835, 29595812, 32123938, 17078022)

Fulgent Genetics
Classification: Pathogenic for Infantile cortical hyperostosis; Ehlers-Danlos syndrome, arthrochalasia type; Osteogenesis imperfecta type I; Osteogenesis imperfecta, perinatal lethal; Osteogenesis imperfecta with normal sclerae, dominant form; Osteoporosis; Osteogenesis imperfecta type III. Last evaluated: 2018-10-31. Review status: criteria provided, single submitter. Criteria: ACMG Guidelines, 2015. Collection method: clinical testing. Allele origin: unknown.

Athena Diagnostics
Classification: Pathogenic. Last evaluated: 2017-01-17. Review status: criteria provided, single submitter. Criteria: Athena Diagnostics Criteria. Collection method: clinical testing. Allele origin: germline.

Literature cited by the submitters: PubMed 29595812 (cited by Dasa); PubMed 31447884 (cited by Dasa); PubMed 32166892 (cited by Dasa); PubMed 32123938 (cited by Dasa); PubMed 15241796 (cited by Dasa and 3billion); PubMed 17078022 (cited by 4 submitters); PubMed 27509835 (cited by 3 submitters); PubMed 7695699 (cited by Labcorp Genetics (formerly Invitae), Labcorp); PubMed 8218237 (cited by Labcorp Genetics (formerly Invitae), Labcorp); PubMed 19344236 (cited by Labcorp Genetics (formerly Invitae), Labcorp); PubMed 9016532 (cited by Labcorp Genetics (formerly Invitae), Labcorp); PubMed 27519266 (cited by 3billion); PubMed 18412368 (cited by Athena Diagnostics).

NM_000088.4(COL1A1):c.2362G>A (p.Gly788Ser)

Gene: COL1A1 (collagen type I alpha 1 chain; minus strand). Cytogenetic location: 17q21.33.
Variant type: single nucleotide variant.
Coding change: c.2362G>A on transcript NM_000088.4 (MANE Select); coding-DNA position 2362, G replaced by A.
Protein change: p.Gly788Ser; replaces glycine 788 with serine.
Molecular consequence: missense variant.
Genome position (GRCh38, 1-based): chr17:50,190,578, C>T on the plus strand (G>A on the coding strand, the complement: COL1A1 is on the minus strand). VCF-style: chr17-50190578-C-T. GRCh37 (hg19) VCF-style: chr17-48267939-C-T.
Other names: short protein forms G788S.
Identifiers: ClinVar variation 447141 (VCV000447141.21), dbSNP rs67879854, ClinGen allele CA291543403.
Genomic context (GRCh38, chr17:50,190,578, plus strand): 5'-GTCTTAACAGGTCTTCTGTACTTACGGGGGCACCACGAGCTCCAGTGGGACCAGCAGGGC[C>T]GCTGGGACCACTTTCACCCTGAGAGCAAGGGACAAGAGGCTCAGGGTCAGGGCCTCCCCT-3'
Protein context (NP_000079.2, residues 778-798): PGDKGESGPS[Gly788Ser]PAGPTGARGA